The following is an entry in ClinVar:

ClinVar aggregate classification (germline): Uncertain significance (1 of 4 stars; one submission).

Conditions:
Leigh syndrome (NULS). Also called: Leigh's necrotizing encephalopathy; Leigh's disease; Leigh Syndrome (mtDNA deletion); Leigh Disease; Subacute necrotizing encephalopathy; Necrotizing encephalopathy infantile subacute of Leigh. Identifiers: Orphanet 506, MedGen C2931891, MONDO:0009723, OMIM 256000.

Submission:

Wong Mito Lab, Molecular and Human Genetics, Baylor College of Medicine
Classification: Uncertain significance for Leigh syndrome. Last evaluated: 2019-10-17. Review status: criteria provided, single submitter. Criteria: Modified ACMG Guidelines (Unpublished). Collection method: clinical testing. Allele origin: germline.
Comment: The NC_012920.1:m.9637T>C (YP_003024032.1:p.Ile144Thr) variant in MTCO3 gene is interpretated to be a Uncertain Significance variant based on the modified ACMG guidelines (unpublished). This variant meets the following evidence codes: PP6, PP7

NC_012920.1(MT-CO3):m.9637T>C

Gene: MT-CO3 (mitochondrially encoded cytochrome c oxidase III; plus strand).
Variant type: single nucleotide variant.
Genome position: chrM-9637-T-C.
Identifiers: ClinVar variation 693197 (VCV000693197.1), dbSNP rs1603222412, ClinGen allele CA414803369.
Genomic context (GRCh38, chrMT:9,637, plus strand): 5'-TAAATCCCCTAGAAGTCCCACTCCTAAACACATCCGTATTACTCGCATCAGGAGTATCAA[T>C]CACCTGAGCTCACCATAGTCTAATAGAAAACAACCGAAACCAAATAATTCAAGCACTGCT-3'